The following is an entry in ClinVar:

NM_015102.5(NPHP4):c.789C>T (p.His263=)

Gene: NPHP4 (nephrocystin 4; minus strand). Cytogenetic location: 1p36.31.
Variant type: single nucleotide variant.
Coding change: c.789C>T on transcript NM_015102.5 (MANE Select); coding-DNA position 789, C replaced by T.
Protein change: p.His263=; no amino-acid change (histidine 263 retained).
Molecular consequence: synonymous variant. On other transcripts: 5 prime UTR variant (1), non-coding transcript variant (1), intron variant (1).
Genome position (GRCh38, 1-based): chr1:5,952,721, G>A on the plus strand (C>T on the coding strand, the complement: NPHP4 is on the minus strand). VCF-style: chr1-5952721-G-A. GRCh37 (hg19) VCF-style: chr1-6012781-G-A.
Other names: c.789C>T (NM_015102.4); c.-578C>T (NM_001291594.2); c.-556-4470C>T (NM_001291593.2).
Identifiers: ClinVar variation 288804 (VCV000288804.13), dbSNP rs760440073, ClinGen allele CA554741.
Genomic context (GRCh38, chr1:5,952,721, plus strand): 5'-GGCCCCACCCTGCCCCCCATCACGCTTCTGACTCCACACCTCCTGGAAGTGGTCCTGGAC[G>A]TGGAGCTCCAGCAGCTCTTCCTCAAACTTCTCCAGGGAGGGGTACAGGGTGAAGAATAAG-3'
Protein context (NP_055917.1, residues 253-273): EKFEEELLEL[His263=]VQDHFQEGCG

ClinVar aggregate classification (germline): Conflicting classifications of pathogenicity. Review status: criteria provided, conflicting classifications (1 of 4 stars). 3 submissions from 3 submitters: Uncertain significance (1); Likely benign (2). Last evaluated 2025-08-22.

Conditions:
Nephronophthisis. Also called: Juvenile Nephronophthisis. Identifiers: Orphanet 655, MedGen C0687120, MONDO:0019005, HP:0000090.
NPHP4-related disorder. Also called: NPHP4-related disorders; NPHP4-related condition. Identifiers: MedGen CN239384.

Allele frequency attached by ClinVar (database versions not stated): gnomAD 0.00001; gnomAD exomes 0.00001; TOPMed 0.00001; ExAC 0.00010.
gnomAD v4.1: 18 of 1,555,036 alleles (0.0012%); highest among the groups gnomAD compares: South Asian, 0.0036%; no homozygotes.

Submissions (3):

PreventionGenetics, part of Exact Sciences
Classification: Likely benign for NPHP4-related condition. Last evaluated: 2025-08-22. Review status: criteria provided, single submitter. Criteria: ACMG Guidelines, 2015. Collection method: clinical testing. Allele origin: germline.
Comment: This variant is classified as likely benign based on ACMG/AMP sequence variant interpretation guidelines (Richards et al. 2015 PMID: 25741868, with internal and published modifications).

Labcorp Genetics (formerly Invitae), Labcorp
Classification: Likely benign for Nephronophthisis. Last evaluated: 2022-09-01. Review status: criteria provided, single submitter. Criteria: Invitae Variant Classification Sherloc (09022015). Collection method: clinical testing. Allele origin: germline.

Eurofins Ntd Llc (ga)
Classification: Uncertain significance. Last evaluated: 2016-06-14. Review status: criteria provided, single submitter. Criteria: EGL Classification Definitions 2015. Collection method: clinical testing. Allele origin: germline. Observed: 1 variant allele, 1 heterozygote.